The following is an entry in ClinVar:

ClinVar aggregate classification (germline): Uncertain significance (1 of 4 stars; one submission).

Submission:

Labcorp Genetics (formerly Invitae), Labcorp
Classification: Uncertain significance. Last evaluated: 2021-04-02. Review status: criteria provided, single submitter. Criteria: Invitae Variant Classification Sherloc (09022015). Collection method: clinical testing. Allele origin: germline.
Comment: In summary, the available evidence is currently insufficient to determine the role of this variant in disease. Therefore, it has been classified as a Variant of Uncertain Significance. Advanced modeling of protein sequence and biophysical properties (such as structural, functional, and spatial information, amino acid conservation, physicochemical variation, residue mobility, and thermodynamic stability) performed at Invitae indicates that this missense variant is not expected to disrupt FAT4 protein function. This variant has not been reported in the literature in individuals with FAT4-related conditions. This variant is not present in population databases (ExAC no frequency). This sequence change replaces threonine with isoleucine at codon 2067 of the FAT4 protein (p.Thr2067Ile). The threonine residue is highly conserved and there is a moderate physicochemical difference between threonine and isoleucine.

NM_001291303.3(FAT4):c.6200C>T (p.Thr2067Ile)

Gene: FAT4 (FAT atypical cadherin 4; plus strand). Cytogenetic location: 4q28.1.
Variant type: single nucleotide variant.
Coding change: c.6200C>T on transcript NM_001291303.3 (MANE Select); coding-DNA position 6200, C replaced by T.
Protein change: p.Thr2067Ile; replaces threonine 2067 with isoleucine.
Molecular consequence: missense variant.
Genome position (GRCh38, 1-based): chr4:125,415,163, C>T. VCF-style: chr4-125415163-C-T. GRCh37 (hg19) VCF-style: chr4-126336318-C-T.
Other names: c.6200C>T, p.Thr2067Ile (NM_001291285.3, NM_024582.6); short protein forms T2067I.
Identifiers: ClinVar variation 1508607 (VCV001508607.8), dbSNP rs2126027195, ClinGen allele CA358128009.
Genomic context (GRCh38, chr4:125,415,163, plus strand): 5'-ACCCACCGACATTTCTTTCCCCTAAATTGACATACATTCCAGAAAATACACCTATTGATA[C>T]TGTTGTTTTCAAAGCTCAAGCAACTGACCCAGATAGTGGCCCAAACAGCTATATTGAGTA-3'
Protein context (NP_001278232.1, residues 2057-2077): TYIPENTPID[Thr2067Ile]VVFKAQATDP